The following is an entry in ClinVar:

ClinVar aggregate classification (germline): Uncertain significance. Review status: criteria provided, multiple submitters, no conflicts (2 of 4 stars). 4 submissions from 4 submitters: Uncertain significance (4). Last evaluated 2026-01-01.

Conditions:
Inborn genetic diseases. Identifiers: MedGen C0950123, MeSH D030342.

Allele frequency attached by ClinVar (database versions not stated): gnomAD 0.00013 and 0.00014; TOPMed 0.00019; gnomAD exomes 0.00021 and 0.00044; ExAC 0.00026; ESP Exome Variant Server 0.00046.
gnomAD v4.1: 680 of 1,612,018 alleles (0.042%); highest among the groups gnomAD compares: Non-Finnish European, 0.054%; no homozygotes.

Submissions (4):

CeGaT Center for Human Genetics Tuebingen
Classification: Uncertain significance. Last evaluated: 2026-01-01. Review status: criteria provided, single submitter. Criteria: CeGaT Center For Human Genetics Tuebingen Variant Classification Criteria Version 2. Collection method: clinical testing. Allele origin: germline. Affected: yes. Observed: 1 variant allele.
Comment: VPS13C: PM2

Blueprint Genetics
Classification: Uncertain significance. Last evaluated: 2024-09-12. Review status: criteria provided, single submitter. Criteria: ACMG Guidelines, 2015. Collection method: clinical testing. Allele origin: germline.

Ambry Genetics
Classification: Uncertain significance for Inborn genetic diseases. Last evaluated: 2021-10-05. Review status: criteria provided, single submitter. Criteria: Ambry Variant Classification Scheme 2023. Collection method: clinical testing. Allele origin: germline.

Labcorp Genetics (formerly Invitae), Labcorp
Classification: Uncertain significance. Last evaluated: 2021-09-04. Review status: criteria provided, single submitter. Criteria: Invitae Variant Classification Sherloc (09022015). Collection method: clinical testing. Allele origin: germline.
Comment: In summary, the available evidence is currently insufficient to determine the role of this variant in disease. Therefore, it has been classified as a Variant of Uncertain Significance. Algorithms developed to predict the effect of missense changes on protein structure and function are either unavailable or do not agree on the potential impact of this missense change (SIFT: "Tolerated"; PolyPhen-2: "Possibly Damaging"; Align-GVGD: "Class C0"). This variant has not been reported in the literature in individuals affected with VPS13C-related conditions. This variant is present in population databases (rs200815172, ExAC 0.05%). This sequence change replaces alanine with threonine at codon 1088 of the VPS13C protein (p.Ala1088Thr). The alanine residue is weakly conserved and there is a small physicochemical difference between alanine and threonine.

NM_020821.3(VPS13C):c.3262G>A (p.Ala1088Thr)

Gene: VPS13C (vacuolar protein sorting 13 homolog C; minus strand). Cytogenetic location: 15q22.2.
Variant type: single nucleotide variant.
Coding change: c.3262G>A on transcript NM_020821.3 (MANE Select); coding-DNA position 3262, G replaced by A.
Protein change: p.Ala1088Thr; replaces alanine 1088 with threonine.
Molecular consequence: missense variant.
Genome position (GRCh38, 1-based): chr15:61,963,904, C>T on the plus strand (G>A on the coding strand, the complement: VPS13C is on the minus strand). VCF-style: chr15-61963904-C-T. GRCh37 (hg19) VCF-style: chr15-62256103-C-T.
Other names: c.3262G>A, p.Ala1088Thr (NM_001018088.3); c.3133G>A, p.Ala1045Thr (NM_017684.5, NM_018080.4); c.3262G>A (NM_020821.2); short protein forms A1045T, A1088T.
Identifiers: ClinVar variation 1365562 (VCV001365562.10), dbSNP rs200815172, ClinGen allele CA7596434.
Genomic context (GRCh38, chr15:61,963,904, plus strand): 5'-TGATTTCGGCGATATTGTTCTTTTCGTTGCAAACAATGACACAGAAAGCATTCAACTTGG[C>T]AAATAGCCTGAAATCAATAATGTCACTATCTCTGGAGGATACAATCGCTAAAAATAAAAC-3'
Protein context (NP_065872.1, residues 1078-1098): DSDIIDFRLF[Ala1088Thr]KLNAFCVIVC